The following is an entry in ClinVar:

NM_017491.5(WDR1):c.704G>A (p.Gly235Asp)

Gene: WDR1 (WD repeat domain 1; minus strand). Cytogenetic location: 4p16.1.
Variant type: single nucleotide variant.
Coding change: c.704G>A on transcript NM_017491.5 (MANE Select); coding-DNA position 704, G replaced by A.
Protein change: p.Gly235Asp; replaces glycine 235 with aspartic acid.
Molecular consequence: missense variant.
Genome position (GRCh38, 1-based): chr4:10,088,306, C>T on the plus strand (G>A on the coding strand, the complement: WDR1 is on the minus strand). VCF-style: chr4-10088306-C-T. GRCh37 (hg19) VCF-style: chr4-10089930-C-T.
Other names: c.284G>A, p.Gly95Asp (NM_005112.5); short protein forms G235D, G95D.
Identifiers: ClinVar variation 1473917 (VCV001473917.6), dbSNP rs2109657411, ClinGen allele CA356362245.

ClinVar aggregate classification (germline): Uncertain significance (1 of 4 stars; one submission).

Submission:

Labcorp Genetics (formerly Invitae), Labcorp
Classification: Uncertain significance. Last evaluated: 2021-09-09. Review status: criteria provided, single submitter. Criteria: Invitae Variant Classification Sherloc (09022015). Collection method: clinical testing. Allele origin: germline.
Comment: In summary, the available evidence is currently insufficient to determine the role of this variant in disease. Therefore, it has been classified as a Variant of Uncertain Significance. This sequence change replaces glycine with aspartic acid at codon 235 of the WDR1 protein (p.Gly235Asp). The glycine residue is highly conserved and there is a moderate physicochemical difference between glycine and aspartic acid. This variant is not present in population databases (ExAC no frequency). This variant has not been reported in the literature in individuals affected with WDR1-related conditions. Algorithms developed to predict the effect of missense changes on protein structure and function are either unavailable or do not agree on the potential impact of this missense change (SIFT: "Deleterious"; PolyPhen-2: "Probably Damaging"; Align-GVGD: "Class C0").